The following is an entry in ClinVar:

NM_002439.5(MSH3):c.1749del (p.Leu584fs)

Gene: MSH3 (mutS homolog 3; plus strand). Cytogenetic location: 5q14.1.
Variant type: Deletion.
Coding change: c.1749del on transcript NM_002439.5 (MANE Select); coding-DNA position 1749, one base deleted (A; older notation c.1749delA).
Protein change: p.Leu584fs; shifts the reading frame from leucine 584.
Molecular consequence: frameshift variant.
Genome position (GRCh38, 1-based): chr5:80,744,601, A deleted. VCF-style (leftmost placement, unchanged base first): chr5-80744600-CA-C. GRCh37 (hg19) VCF-style: chr5-80040419-CA-C.
Other names: c.1749delA (NM_002439.5); short protein forms L584fs.
Identifiers: ClinVar variation 1779339 (VCV001779339.4), dbSNP rs2546762095, ClinGen allele CA2580073593.

ClinVar aggregate classification (germline): Pathogenic/Likely pathogenic. Review status: criteria provided, multiple submitters, no conflicts (2 of 4 stars). 2 submissions from 2 submitters: Pathogenic (1); Likely pathogenic (1). Last evaluated 2025-03-04.

Conditions:
Hereditary cancer-predisposing syndrome. Also called: Neoplastic Syndromes, Hereditary; Tumor predisposition; Hereditary Cancer Syndrome; Hereditary neoplastic syndrome. Identifiers: Orphanet 140162, MedGen C0027672, MeSH D009386, MONDO:0015356.

Submissions (2):

Center for Genomic Medicine, Rigshospitalet, Copenhagen University Hospital
Classification: Likely pathogenic. Last evaluated: 2025-03-04. Review status: criteria provided, single submitter. Criteria: ACMG Guidelines, 2015. Collection method: clinical testing. Allele origin: germline.

Ambry Genetics
Classification: Pathogenic for Hereditary cancer-predisposing syndrome. Last evaluated: 2021-03-01. Review status: criteria provided, single submitter. Criteria: Ambry Variant Classification Scheme 2023. Collection method: clinical testing. Allele origin: germline.
Comment: The c.1749delA variant, located in coding exon 12 of the MSH3 gene, results from a deletion of one nucleotide at nucleotide position 1749, causing a translational frameshift with a predicted alternate stop codon (p.L584Sfs*4). This alteration is expected to result in loss of function by premature protein truncation or nonsense-mediated mRNA decay. As such, this alteration is interpreted as a disease-causing mutation.